The following is an entry in ClinVar:

NM_001009944.3(PKD1):c.287+4A>G

Gene: PKD1 (polycystin 1, transient receptor potential channel interacting; minus strand). Cytogenetic location: 16p13.3.
Variant type: single nucleotide variant.
Coding change: c.287+4A>G on transcript NM_001009944.3 (MANE Select); 4 bases into the intron after coding-DNA position 287, A replaced by G.
Molecular consequence: intron variant.
Genome position (GRCh38, 1-based): chr16:2,119,303, T>C on the plus strand (A>G on the coding strand, the complement: PKD1 is on the minus strand). VCF-style: chr16-2119303-T-C. GRCh37 (hg19) VCF-style: chr16-2169304-T-C.
Other names: c.287+4A>G (NM_000296.4).
Identifiers: ClinVar variation 3901752 (VCV003901752.1).

ClinVar aggregate classification (germline): Uncertain significance (1 of 4 stars; one submission).

Submission:

GeneDx
Classification: Uncertain significance. Last evaluated: 2024-12-06. Review status: criteria provided, single submitter. Criteria: GeneDx Variant Classification Process June 2021. Collection method: clinical testing. Allele origin: germline. Affected: yes.
Comment: In silico analysis supports a deleterious effect on splicing; Has not been previously published as pathogenic or benign to our knowledge